The following is an entry in ClinVar:

NM_020631.6(PLEKHG5):c.665C>A (p.Thr222Lys)

Gene: PLEKHG5 (pleckstrin homology and RhoGEF domain containing G5; minus strand). Cytogenetic location: 1p36.31.
Variant type: single nucleotide variant.
Coding change: c.665C>A on transcript NM_020631.6 (MANE Select); coding-DNA position 665, C replaced by A.
Protein change: p.Thr222Lys; replaces threonine 222 with lysine.
Molecular consequence: missense variant.
Genome position (GRCh38, 1-based): chr1:6,473,381, G>T on the plus strand (C>A on the coding strand, the complement: PLEKHG5 is on the minus strand). VCF-style: chr1-6473381-G-T. GRCh37 (hg19) VCF-style: chr1-6533441-G-T.
Other names: c.776C>A, p.Thr259Lys (NM_001042663.3, NM_001265592.2); c.665C>A, p.Thr222Lys (NM_001042664.2, NM_001042665.2, NM_001265594.3 and 1 more transcripts); c.872C>A, p.Thr291Lys (NM_001265593.2); short protein forms T222K, T291K, T259K.
Identifiers: ClinVar variation 285837 (VCV000285837.10), dbSNP rs373678202, ClinGen allele CA10605269.

ClinVar aggregate classification (germline): Uncertain significance. Review status: criteria provided, multiple submitters, no conflicts (2 of 4 stars). 2 submissions from 2 submitters: Uncertain significance (2). Last evaluated 2021-08-14.

Conditions:
Neuronopathy, distal hereditary motor, autosomal recessive 4. Also called: Autosomal recessive lower motor neuron disease with childhood onset; NEUROPATHY, DISTAL HEREDITARY MOTOR, AUTOSOMAL RECESSIVE 4. Identifiers: Orphanet 206580, MedGen C1970211, MONDO:0012608, OMIM 611067.
Charcot-Marie-Tooth disease recessive intermediate C. Also called: CHARCOT-MARIE-TOOTH NEUROPATHY, RECESSIVE INTERMEDIATE C. Identifiers: Orphanet 369867, MedGen C3809309, MONDO:0014154, OMIM 615376.

gnomAD v4.1: 1 of 1,547,712 alleles (0.000065%); highest among the groups gnomAD compares: Non-Finnish European, 0.000087%; no homozygotes.

Submissions (2):

Labcorp Genetics (formerly Invitae), Labcorp
Classification: Uncertain significance for Neuronopathy, distal hereditary motor, autosomal recessive 4; Charcot-Marie-Tooth disease recessive intermediate C. Last evaluated: 2021-08-14. Review status: criteria provided, single submitter. Criteria: Invitae Variant Classification Sherloc (09022015). Collection method: clinical testing. Allele origin: germline.
Comment: This sequence change replaces threonine with lysine at codon 222 of the PLEKHG5 protein (p.Thr222Lys). The threonine residue is weakly conserved and there is a moderate physicochemical difference between threonine and lysine. This variant is not present in population databases (ExAC no frequency). This variant has not been reported in the literature in individuals affected with PLEKHG5-related conditions. ClinVar contains an entry for this variant (Variation ID: 285837). Algorithms developed to predict the effect of missense changes on protein structure and function (SIFT, PolyPhen-2, Align-GVGD) all suggest that this variant is likely to be tolerated. In summary, the available evidence is currently insufficient to determine the role of this variant in disease. Therefore, it has been classified as a Variant of Uncertain Significance.

Eurofins Ntd Llc (ga)
Classification: Uncertain significance. Last evaluated: 2016-02-04. Review status: criteria provided, single submitter. Criteria: EGL Classification Definitions 2015. Collection method: clinical testing. Allele origin: germline. Observed: 1 variant allele, 1 heterozygote.